The following is an entry in ClinVar:

ClinVar aggregate classification (germline): Uncertain significance (1 of 4 stars; one submission).

Submission:

Labcorp Genetics (formerly Invitae), Labcorp
Classification: Uncertain significance. Last evaluated: 2024-12-09. Review status: criteria provided, single submitter. Criteria: Invitae Variant Classification Sherloc (09022015). Collection method: clinical testing. Allele origin: germline.
Comment: This sequence change creates a premature translational stop signal (p.Ser330Valfs*38) in the CD55 gene. While this is not anticipated to result in nonsense mediated decay, it is expected to disrupt the last 52 amino acid(s) of the CD55 protein. This variant is not present in population databases (gnomAD no frequency). This variant has not been reported in the literature in individuals affected with CD55-related conditions. ClinVar contains an entry for this variant (Variation ID: 1388949). Experimental studies and prediction algorithms are not available or were not evaluated, and the functional significance of this variant is currently unknown. In summary, the available evidence is currently insufficient to determine the role of this variant in disease. Therefore, it has been classified as a Variant of Uncertain Significance.

NM_000574.5(CD55):c.987del (p.Ser330fs)

Gene: CD55 (CD55 molecule (Cromer blood group); plus strand). Cytogenetic location: 1q32.2.
Variant type: Deletion.
Coding change: c.987del on transcript NM_000574.5 (MANE Select); coding-DNA position 987, one base deleted (G; older notation c.987delG).
Protein change: p.Ser330fs; shifts the reading frame from serine 330.
Molecular consequence: frameshift variant. On other transcripts: non-coding transcript variant (1).
Genome position (GRCh38, 1-based): chr1:207,337,336, G deleted; the last of 2 consecutive G bases (chr1:207,337,335-207,337,336); deleting either gives the same sequence. VCF-style (leftmost placement, unchanged base first): chr1-207337334-CG-C. GRCh37 (hg19) VCF-style: chr1-207510679-CG-C.
Other names: c.987del, p.Ser330fs (NM_001114752.3, NM_001300902.2, NM_001300903.2 and 1 more transcripts); short protein forms S330fs.
Identifiers: ClinVar variation 1388949 (VCV001388949.6), dbSNP rs2102408395, ClinGen allele CA2573131502.